The following is an entry in ClinVar:

ClinVar aggregate classification (germline): Uncertain significance. Review status: criteria provided, multiple submitters, no conflicts (2 of 4 stars). 2 submissions from 2 submitters: Uncertain significance (2). Last evaluated 2026-01-20.

Conditions:
Inborn genetic diseases. Identifiers: MedGen C0950123, MeSH D030342.

gnomAD v4.1: 7 of 1,606,220 alleles (0.00044%); highest among the groups gnomAD compares: South Asian, 0.0077%; no homozygotes.

Submissions (2):

Ambry Genetics
Classification: Uncertain significance for Inborn genetic diseases. Last evaluated: 2026-01-20. Review status: criteria provided, single submitter. Criteria: Ambry Variant Classification Scheme 2023. Collection method: clinical testing. Allele origin: germline.
Comment: The c.5495G>C (p.R1832T) alteration is located in exon 44 (coding exon 44) of the CACNA1D gene. This alteration results from a G to C substitution at nucleotide position 5495, causing the arginine (R) at amino acid position 1832 to be replaced by a threonine (T). Based on data from gnomAD, the C allele has an overall frequency of 0.001% (2/251484) total alleles studied. The highest observed frequency was 0.007% (2/30612) of South Asian alleles. The nucleotide and amino acid positions are highly conserved in available vertebrate species. Based on insufficient or conflicting evidence, the clinical significance of this alteration remains unclear.

Labcorp Genetics (formerly Invitae), Labcorp
Classification: Uncertain significance. Last evaluated: 2023-11-14. Review status: criteria provided, single submitter. Criteria: Invitae Variant Classification Sherloc (09022015). Collection method: clinical testing. Allele origin: germline.
Comment: This sequence change replaces arginine, which is basic and polar, with threonine, which is neutral and polar, at codon 1832 of the CACNA1D protein (p.Arg1832Thr). This variant also falls at the last nucleotide of exon 44, which is part of the consensus splice site for this exon. This variant is present in population databases (rs568955412, gnomAD 0.01%). This variant has not been reported in the literature in individuals affected with CACNA1D-related conditions. ClinVar contains an entry for this variant (Variation ID: 2294552). An algorithm developed to predict the effect of missense changes on protein structure and function (PolyPhen-2) suggests that this variant is likely to be tolerated. Variants that disrupt the consensus splice site are a relatively common cause of aberrant splicing (PMID: 17576681, 9536098). Algorithms developed to predict the effect of sequence changes on RNA splicing suggest that this variant may disrupt the consensus splice site. In summary, the available evidence is currently insufficient to determine the role of this variant in disease. Therefore, it has been classified as a Variant of Uncertain Significance.

Literature cited by the submitters: PubMed 17576681 (cited by Labcorp Genetics (formerly Invitae), Labcorp); PubMed 9536098 (cited by Labcorp Genetics (formerly Invitae), Labcorp).

NM_001128840.3(CACNA1D):c.5435G>C (p.Arg1812Thr)

Gene: CACNA1D (calcium voltage-gated channel subunit alpha1 D; plus strand). Cytogenetic location: 3p21.1.
Variant type: single nucleotide variant.
Coding change: c.5435G>C on transcript NM_001128840.3 (MANE Select); coding-DNA position 5435, G replaced by C.
Protein change: p.Arg1812Thr; replaces arginine 1812 with threonine.
Molecular consequence: missense variant. On other transcripts: intron variant (1).
Genome position (GRCh38, 1-based): chr3:53,802,173, G>C. VCF-style: chr3-53802173-G-C. GRCh37 (hg19) VCF-style: chr3-53836200-G-C.
Other names: c.5495G>C, p.Arg1832Thr (NM_000720.4); c.5363+748G>C (NM_001128839.3); short protein forms R1832T, R1812T.
Identifiers: ClinVar variation 2294552 (VCV002294552.6), dbSNP rs568955412, ClinGen allele CA2455136.
Genomic context (GRCh38, chr3:53,802,173, plus strand): 5'-TCCCTCCTTCCCATGTTATGCCTTTCCTGGATAGAACCCGCTATTATGAAACTTACATTA[G>C]GTATGTGCTCATTACCTGTTTTTGTGTTAAATACTGTGATGGTATGTTACCAGCTGGCCT-3'
Protein context (NP_001122312.1, residues 1802-1822): KRTRYYETYI[Arg1812Thr]SDSGDEQLPT